The following is an entry in ClinVar:

NM_003072.5(SMARCA4):c.4704_4718del (p.Asp1568_Gly1572del)

Gene: SMARCA4 (SWI/SNF related BAF chromatin remodeling complex subunit ATPase 4; plus strand). Cytogenetic location: 19p13.2.
Variant type: Deletion.
Coding change: c.4704_4718del on transcript NM_003072.5 (MANE Select); coding-DNA positions 4704 to 4718, 15 bases deleted (TGACAGTGAAGGCGA).
Protein change: p.Asp1568_Gly1572del.
Molecular consequence: inframe deletion. On other transcripts: non-coding transcript variant (1).
Genome position (GRCh38, 1-based): chr19:11,059,821-11,059,835, TGACAGTGAAGGCGA deleted; deleting any 15 consecutive bases within chr19:11,059,819-11,059,835 gives the same sequence; the c. name uses the placement nearest the transcript's 3' end. VCF-style (leftmost placement, unchanged base first): chr19-11059818-GGATGACAGTGAAGGC-G. GRCh37 (hg19) VCF-style: chr19-11170494-GGATGACAGTGAAGGC-G.
Other names: c.4704_4718del, p.Asp1568_Gly1572del (NM_001128844.3); c.4614_4628del, p.Asp1538_Gly1542del (NM_001128845.2); c.4611_4625del, p.Asp1537_Gly1541del (NM_001128846.2); c.4605_4619del, p.Asp1535_Gly1539del (NM_001128847.4, NM_001374457.1); c.4602_4616del, p.Asp1534_Gly1538del (NM_001128848.2); c.4800_4814del, p.Asp1600_Gly1604del (NM_001128849.3, NM_001387283.1).
Identifiers: ClinVar variation 572805 (VCV000572805.8), dbSNP rs1568564616, ClinGen allele CA891844149.

ClinVar aggregate classification (germline): Uncertain significance (1 of 4 stars; one submission).

Conditions:
Rhabdoid tumor predisposition syndrome 2 (RTPS2). Identifiers: Orphanet 231108, Orphanet 69077, MedGen C2750074, MONDO:0013224, OMIM 613325.

Submission:

Labcorp Genetics (formerly Invitae), Labcorp
Classification: Uncertain significance for Rhabdoid tumor predisposition syndrome 2. Last evaluated: 2018-03-15. Review status: criteria provided, single submitter. Criteria: Invitae Variant Classification Sherloc (09022015). Collection method: clinical testing. Allele origin: germline.
Comment: This variant has not been reported in the literature in individuals with SMARCA4-related disease. This variant is not present in population databases (ExAC no frequency). This variant, c.4800_4814delTGACAGTGAAGGCGA, results in the deletion of 5 amino acids of the SMARCA4 protein (p.Asp1600_Gly1604del), but otherwise preserves the integrity of the reading frame. Experimental studies and prediction algorithms are not available for this variant, and the functional significance of the deleted amino acids is currently unknown. In summary, the available evidence is currently insufficient to determine the role of this variant in disease. Therefore, it has been classified as a Variant of Uncertain Significance.